The following is an entry in ClinVar:

NM_006118.4(HAX1):c.736G>C (p.Asp246His)

Gene: HAX1 (HCLS1 associated protein X-1; plus strand). Cytogenetic location: 1q21.3.
Variant type: single nucleotide variant.
Coding change: c.736G>C on transcript NM_006118.4 (MANE Select); coding-DNA position 736, G replaced by C.
Protein change: p.Asp246His; replaces aspartic acid 246 with histidine.
Molecular consequence: missense variant.
Genome position (GRCh38, 1-based): chr1:154,275,465, G>C. VCF-style: chr1-154275465-G-C. GRCh37 (hg19) VCF-style: chr1-154247941-G-C.
Other names: c.736G>C (NM_006118.3); c.592G>C, p.Asp198His (NM_001018837.2); short protein forms D198H, D246H.
Identifiers: ClinVar variation 1469918 (VCV001469918.7), dbSNP rs375477111, ClinGen allele CA1127453.
Genomic context (GRCh38, chr1:154,275,465, plus strand): 5'-CGCCGGACTGTGGTGGACAGTGAGGGCCGGACAGAGACTACAGTAACCCGACACGAAGCA[G>C]ATAGCAGTCCTAGGGGTGGTAAGTTAAAAGACAAAGGGGTTCATCTCAAGATTCCTTGGG-3'
Protein context (NP_006109.2, residues 236-256): TETTVTRHEA[Asp246His]SSPRGDPESP

ClinVar aggregate classification (germline): Uncertain significance. Review status: criteria provided, multiple submitters, no conflicts (2 of 4 stars). 2 submissions from 2 submitters: Uncertain significance (2). Last evaluated 2024-12-23.

Conditions:
Inborn genetic diseases. Identifiers: MedGen C0950123, MeSH D030342.
Kostmann syndrome (SCN3). Also called: Autosomal recessive severe congenital neutropenia type 3; KOSTMANN DISEASE. Identifiers: Orphanet 99749, MedGen C5235141, MONDO:0012548, OMIM 610738.

Allele frequency attached by ClinVar (database versions not stated): gnomAD 0.00001; ExAC 0.00002; TOPMed 0.00002; gnomAD exomes 0.00003; ESP Exome Variant Server 0.00008.
gnomAD v4.1: 40 of 1,613,966 alleles (0.0025%); highest among the groups gnomAD compares: Admixed American, 0.005%; no homozygotes.

Submissions (2):

Ambry Genetics
Classification: Uncertain significance for Inborn genetic diseases. Last evaluated: 2024-12-23. Review status: criteria provided, single submitter. Criteria: Ambry Variant Classification Scheme 2023. Collection method: clinical testing. Allele origin: germline.

Labcorp Genetics (formerly Invitae), Labcorp
Classification: Uncertain significance for Kostmann syndrome. Last evaluated: 2022-01-21. Review status: criteria provided, single submitter. Criteria: Invitae Variant Classification Sherloc (09022015). Collection method: clinical testing. Allele origin: germline.
Comment: This sequence change replaces aspartic acid, which is acidic and polar, with histidine, which is basic and polar, at codon 246 of the HAX1 protein (p.Asp246His). This variant is present in population databases (rs375477111, gnomAD 0.005%). This variant has not been reported in the literature in individuals affected with HAX1-related conditions. Algorithms developed to predict the effect of missense changes on protein structure and function output the following: SIFT: "Tolerated"; PolyPhen-2: "Benign"; Align-GVGD: "Class C0". The histidine amino acid residue is found in multiple mammalian species, which suggests that this missense change does not adversely affect protein function. In summary, the available evidence is currently insufficient to determine the role of this variant in disease. Therefore, it has been classified as a Variant of Uncertain Significance.